The following is an entry in ClinVar:

ClinVar aggregate classification (germline): Likely benign. Review status: criteria provided, single submitter (1 of 4 stars). 2 submissions from 2 submitters: Likely benign (1). 1 of the submissions does not count toward it. Last evaluated 2024-05-17.

Conditions:
KIDINS220-related disorder. Also called: KIDINS220-related condition.

gnomAD v4.1: 1 of 1,612,842 alleles (0.000062%); no homozygotes.

Submissions (2):

Labcorp Genetics (formerly Invitae), Labcorp
Classification: Likely benign. Last evaluated: 2024-05-17. Review status: criteria provided, single submitter. Criteria: Invitae Variant Classification Sherloc (09022015). Collection method: clinical testing. Allele origin: germline.

PreventionGenetics, part of Exact Sciences
Classification: Likely benign for KIDINS220-related condition. Last evaluated: 2023-01-19. Review status: no assertion criteria provided. Collection method: clinical testing. Allele origin: germline. Not counted in ClinVar's aggregate classification.
Comment: This variant is classified as likely benign based on ACMG/AMP sequence variant interpretation guidelines (Richards et al. 2015 PMID: 25741868, with internal and published modifications).

NM_020738.4(KIDINS220):c.1434A>G (p.Lys478=)

Gene: KIDINS220 (kinase D interacting substrate 220; minus strand). Cytogenetic location: 2p25.1.
Variant type: single nucleotide variant.
Coding change: c.1434A>G on transcript NM_020738.4 (MANE Select); coding-DNA position 1434, A replaced by G.
Protein change: p.Lys478=; no amino-acid change (lysine 478 retained).
Molecular consequence: synonymous variant. On other transcripts: non-coding transcript variant (2).
Genome position (GRCh38, 1-based): chr2:8,791,067, T>C on the plus strand (A>G on the coding strand, the complement: KIDINS220 is on the minus strand). VCF-style: chr2-8791067-T-C. GRCh37 (hg19) VCF-style: chr2-8931197-T-C.
Other names: c.1437A>G, p.Lys479= (NM_001348729.2, NM_001348731.2, NM_001348734.2 and 3 more transcripts); c.1434A>G, p.Lys478= (NM_001348732.2, NM_001348735.2, NM_001348738.2 and 3 more transcripts); c.1308A>G, p.Lys436= (NM_001348736.2).
Identifiers: ClinVar variation 3352283 (VCV003352283.3).